The following is an entry in ClinVar:

ClinVar aggregate classification (germline): Conflicting classifications of pathogenicity. Review status: criteria provided, conflicting classifications (1 of 4 stars). 7 submissions from 7 submitters: Uncertain significance (5); Likely benign (1). 1 of the submissions does not count toward it. Last evaluated 2026-07-07.

Conditions:
APC-related disorder. Also called: APC-related condition.
Hereditary cancer-predisposing syndrome. Also called: Neoplastic Syndromes, Hereditary; Hereditary neoplastic syndrome; Hereditary Cancer Syndrome; Tumor predisposition. Identifiers: Orphanet 140162, MedGen C0027672, MeSH D009386, MONDO:0015356.
Familial adenomatous polyposis 1 (FAP1). Also called: POLYPOSIS, ADENOMATOUS INTESTINAL; FAMILIAL ADENOMATOUS POLYPOSIS 1, ATTENUATED. Identifiers: MedGen C2713442, MONDO:0021056, OMIM 175100. Disease mechanism: loss of function.
Classic or attenuated familial adenomatous polyposis. Identifiers: MedGen CN372698, MONDO:0021057.

Allele frequency attached by ClinVar (database versions not stated): 1000 Genomes Project 0.00020; 1000 Genomes Project 30x 0.00031; gnomAD exomes below 0.00001; gnomAD 0.00001 and 0.00002; TOPMed 0.00003.
gnomAD v4.1: 7 of 1,613,876 alleles (0.00043%); highest among the groups gnomAD compares: Admixed American, 0.0067%; no homozygotes.

Submissions (7):

Ambry Genetics
Classification: Likely benign for Hereditary cancer-predisposing syndrome. Last evaluated: 2026-07-07. Review status: criteria provided, single submitter. Criteria: Ambry Variant Classification Scheme 2023. Collection method: clinical testing. Allele origin: germline.

Labcorp Genetics (formerly Invitae), Labcorp
Classification: Uncertain significance for Familial adenomatous polyposis 1. Last evaluated: 2026-01-28. Review status: criteria provided, single submitter. Criteria: Invitae Variant Classification Sherloc (09022015). Collection method: clinical testing. Allele origin: germline.
Comment: This sequence change replaces histidine, which is basic and polar, with glutamine, which is neutral and polar, at codon 2770 of the APC protein (p.His2770Gln). This variant is not present in population databases (gnomAD no frequency). This variant has not been reported in the literature in individuals affected with APC-related conditions. ClinVar contains an entry for this variant (Variation ID: 485095). Invitae Evidence Modeling of protein sequence and biophysical properties (such as structural, functional, and spatial information, amino acid conservation, physicochemical variation, residue mobility, and thermodynamic stability) indicates that this missense variant is not expected to disrupt APC protein function with a negative predictive value of 95%. In summary, the available evidence is currently insufficient to determine the role of this variant in disease. Therefore, it has been classified as a Variant of Uncertain Significance.

All of Us Research Program, National Institutes of Health
Classification: Uncertain significance for Classic or attenuated familial adenomatous polyposis. Last evaluated: 2024-05-14. Review status: criteria provided, single submitter. Criteria: ACMG Guidelines, 2015. Collection method: clinical testing. Allele origin: germline. Inheritance: Autosomal dominant inheritance. Observed: 6 variant alleles, 6 heterozygotes.
Comment: This missense variant replaces histidine with glutamine at codon 2770 of the APC protein. Computational prediction suggests that this variant may not impact protein structure and function (internally defined REVEL score threshold <= 0.5, PMID: 27666373). To our knowledge, functional studies have not been reported for this variant. This variant has not been reported in individuals affected with APC-related disorders in the literature. This variant has been identified in 1/250916 chromosomes in the general population by the Genome Aggregation Database (gnomAD). The available evidence is insufficient to determine the role of this variant in disease conclusively. Therefore, this variant is classified as a Variant of Uncertain Significance.

This study involves interpretation of variants in research participants for the purpose of population health screening. Participant phenotype was not available at the time of variant classification. Additional details can be found in publication PMID: 35346344, PMCID: PMC8962531

Color Diagnostics, LLC DBA Color Health
Classification: Uncertain significance for Hereditary cancer-predisposing syndrome. Last evaluated: 2024-01-30. Review status: criteria provided, single submitter. Criteria: ACMG Guidelines, 2015. Collection method: clinical testing. Allele origin: germline.
Comment: This missense variant replaces histidine with glutamine at codon 2770 of the APC protein. Computational prediction suggests that this variant may not impact protein structure and function (internally defined REVEL score threshold <= 0.5, PMID: 27666373). To our knowledge, functional studies have not been reported for this variant. This variant has not been reported in individuals affected with APC-related disorders in the literature. This variant has been identified in 1/250916 chromosomes in the general population by the Genome Aggregation Database (gnomAD). The available evidence is insufficient to determine the role of this variant in disease conclusively. Therefore, this variant is classified as a Variant of Uncertain Significance.

Baylor Genetics
Classification: Uncertain significance for Familial adenomatous polyposis 1. Last evaluated: 2023-10-22. Review status: criteria provided, single submitter. Criteria: ACMG Guidelines, 2015. Collection method: clinical testing. Allele origin: unknown.

GeneDx
Classification: Uncertain significance. Last evaluated: 2023-01-15. Review status: criteria provided, single submitter. Criteria: GeneDx Variant Classification Process June 2021. Collection method: clinical testing. Allele origin: germline. Affected: yes.
Comment: Not observed at a significant frequency in large population cohorts (gnomAD); In silico analysis supports that this missense variant has a deleterious effect on protein structure/function; Has not been previously published as pathogenic or benign to our knowledge; This variant is associated with the following publications: (PMID: 18199528)

PreventionGenetics, part of Exact Sciences
Classification: Uncertain significance for APC-related condition. Last evaluated: 2024-09-20. Review status: no assertion criteria provided. Collection method: clinical testing. Allele origin: germline. Not counted in ClinVar's aggregate classification.
Comment: The APC c.8310C>G variant is predicted to result in the amino acid substitution p.His2770Gln. To our knowledge, this variant has not been reported in the literature. This variant is reported in 0.0029% of alleles in individuals of Latino descent in gnomAD and has been interpreted as variant of uncertain significance in the ClinVar database. At this time, the clinical significance of this variant is uncertain due to the absence of conclusive functional and genetic evidence.

NM_000038.6(APC):c.8310C>G (p.His2770Gln)

Gene: APC (APC regulator of Wnt signaling pathway; plus strand). Cytogenetic location: 5q22.2.
Variant type: single nucleotide variant.
Coding change: c.8310C>G on transcript NM_000038.6 (MANE Select); coding-DNA position 8310, C replaced by G.
Protein change: p.His2770Gln; replaces histidine 2770 with glutamine.
Molecular consequence: missense variant.
Genome position (GRCh38, 1-based): chr5:112,843,904, C>G. VCF-style: chr5-112843904-C-G. GRCh37 (hg19) VCF-style: chr5-112179601-C-G.
Other names: c.8310C>G, p.His2770Gln (NM_001127510.3, NM_001354895.2); c.8256C>G, p.His2752Gln (NM_001127511.3); c.8364C>G, p.His2788Gln (NM_001354896.2); c.8340C>G, p.His2780Gln (NM_001354897.2); c.8235C>G, p.His2745Gln (NM_001354898.2); c.8226C>G, p.His2742Gln (NM_001354899.2); c.8187C>G, p.His2729Gln (NM_001354900.2); c.8133C>G, p.His2711Gln (NM_001354901.2); and 5 more; short protein forms H2752Q, H2770Q, H2610Q, H2644Q, H2780Q, H2487Q, H2679Q, H2711Q.
Identifiers: ClinVar variation 485095 (VCV000485095.28), dbSNP rs200160084, ClinGen allele CA16039366.